The following is an entry in ClinVar:

NM_000540.3(RYR1):c.13672C>T (p.Arg4558Trp)

Gene: RYR1 (ryanodine receptor 1; plus strand). Cytogenetic location: 19q13.2.
Variant type: single nucleotide variant.
Coding change: c.13672C>T on transcript NM_000540.3 (MANE Select); coding-DNA position 13672, C replaced by T.
Protein change: p.Arg4558Trp; replaces arginine 4558 with tryptophan.
Molecular consequence: missense variant.
Genome position (GRCh38, 1-based): chr19:38,570,619, C>T. VCF-style: chr19-38570619-C-T. GRCh37 (hg19) VCF-style: chr19-39061259-C-T.
Other names: c.13657C>T, p.Arg4553Trp (NM_001042723.2); c.13672C>T (NM_000540.2); short protein forms R4558W, R4553W.
Identifiers: ClinVar variation 478187 (VCV000478187.22), dbSNP rs771741606, ClinGen allele CA060375.

ClinVar aggregate classification (germline): Uncertain significance. Review status: reviewed by expert panel (3 of 4 stars). 10 submissions from 10 submitters: Uncertain significance (1). 9 of the submissions do not count toward it. Last evaluated 2025-08-01.

Conditions:
RYR1-related disorder. Also called: RYR1-related disorders; RYR1-related condition. Identifiers: MedGen CN239331.
Malignant hyperthermia of anesthesia. Also called: Anesthesic-triggered malignant hyperthermia. Identifiers: Orphanet 423, MedGen C0024591, MONDO:0018493, HP:0034733.
Malignant hyperthermia, susceptibility to, 1 (MHS1). Also called: Malignant hyperthermia suceptibility 1; RYR1-Related Malignant Hyperthermia Susceptibility; Anesthesia related hyperthermia; Malignant hyperpyrexia; Fulminating hyperpyrexia; Pharmacogenic myopathy. Identifiers: Orphanet 423, MedGen C2930980, MONDO:0007783, OMIM 145600.
Central core myopathy (CMYO1A). Also called: CONGENITAL MYOPATHY 1A, AUTOSOMAL DOMINANT, WITH SUSCEPTIBILITY TO MALIGNANT HYPERTHERMIA; Central core disease; Myopathy, central fibrillar. Identifiers: Orphanet 597, MedGen C5830701, MONDO:0007294, OMIM 117000.
Congenital multicore myopathy with external ophthalmoplegia (CMYO1B). Also called: Minicore myopathy with external ophthalmoplegia; MULTIMINICORE DISEASE WITH EXTERNAL OPHTHALMOPLEGIA; MULTICORE MYOPATHY; Congenital myopathy 1B, autosomal recessive; Minicore myopathy. Identifiers: Orphanet 598, Orphanet 98905, MedGen C1850674, MONDO:0009712, OMIM 255320, HP:0003789.

Allele frequency attached by ClinVar (database versions not stated): gnomAD exomes below 0.00001 and 0.00001; ExAC 0.00001; gnomAD 0.00001; TOPMed 0.00001.
gnomAD v4.1: 16 of 1,613,832 alleles (0.00099%); highest among the groups gnomAD compares: Admixed American, 0.0017%; no homozygotes.

Submissions (10):

ClinGen Malignant Hyperthermia Susceptibility Variant Curation Expert Panel, ClinGen
Classification: Uncertain significance for Malignant hyperthermia of anesthesia. Last evaluated: 2025-08-01. Review status: reviewed by expert panel. Criteria: ClinGen MHS ACMG Specifications V2. Collection method: curation. Allele origin: germline. Inheritance: Autosomal dominant inheritance.
Comment: This pathogenicity assessment is relevant only for malignant hyperthermia susceptibility (MHS) inherited in an autosomal dominant pattern. Variants in RYR1 can also cause other myopathies inherited in an autosomal dominant pattern or in an autosomal recessive pattern. Some of these disorders may predispose individuals to malignant hyperthermia. RYR1 variants may also contribute to a malignant hyperthermia reaction in combination with other genetic and non-genetic factors and the clinician needs to consider such factors in making management decisions. This sequence variant predicts a substitution of arginine with tryptophan at codon 4558 of the RYR1 protein, p.(Arg4558Trp). The maximum allele frequency for this variant among the six major gnomAD populations is NFE: 0.000009, a frequency consistent with pathogenicity for MHS. This variant has been reported in an individual with a personal or family history of an MH episode and a positive in vitro contracture test (IVCT) or caffeine halothane contracture test (CHCT) result (if the proband was unavailable for testing, a positive diagnostic test result in a mutation-positive relative was counted), PS4_Supporting (PMID: 30236257). No functional studies were identified for this variant. This variant does not reside in a hotspot for pathogenic variants that contribute to MHS. A REVEL score of 0.79 supports neither a pathogenic nor a benign status for this variant. This variant has been classified as a Variant of Unknown Significance. Criteria implemented: PS4_Supporting.

Color Diagnostics, LLC DBA Color Health
Classification: Uncertain significance for Malignant hyperthermia, susceptibility to, 1. Last evaluated: 2025-07-09. Review status: criteria provided, single submitter. Criteria: ACMG Guidelines, 2015. Collection method: clinical testing. Allele origin: germline. Not counted in ClinVar's aggregate classification.
Comment: This missense variant replaces arginine with tryptophan at codon 4558 of the RYR1 protein. Computational prediction is inconclusive about the impact of this variant on protein structure and function. To our knowledge, functional studies have not been reported for this variant. This variant has been reported in a family affected with malignant hyperthermia susceptibility (PMID: 30236257). This variant has been identified in 1/251486 chromosomes in the general population by the Genome Aggregation Database (gnomAD). This variant is also associated with autosomal recessive myopathy phenotype (ClinVar Variation ID: 478187). Due to insufficient evidence, this variant is classified as a Variant of Uncertain Significance for autosomal dominant malignant hyperthermia susceptibility.

GeneDx
Classification: Likely pathogenic. Last evaluated: 2025-05-07. Review status: criteria provided, single submitter. Criteria: GeneDx Variant Classification Process June 2021. Collection method: clinical testing. Allele origin: germline. Affected: yes. Not counted in ClinVar's aggregate classification.
Comment: Reported in association with centronuclear myopathy in patients who harbored additional variants in the RYR1 gene; however, segregation information was not provided (PMID: 32403337, 35627144); In silico analysis supports that this missense variant has a deleterious effect on protein structure/function; Not observed at significant frequency in large population cohorts (gnomAD); This variant is associated with the following publications: (PMID: 25747005, 18253926, 17226826, 34426522, 28269792, 35627144, 32403337, 30236257, 28818389, 33458582)

Labcorp Genetics (formerly Invitae), Labcorp
Classification: Pathogenic for RYR1-related disorder. Last evaluated: 2025-05-05. Review status: criteria provided, single submitter. Criteria: Invitae Variant Classification Sherloc (09022015). Collection method: clinical testing. Allele origin: germline. Not counted in ClinVar's aggregate classification.
Comment: This sequence change replaces arginine, which is basic and polar, with tryptophan, which is neutral and slightly polar, at codon 4558 of the RYR1 protein (p.Arg4558Trp). This variant is present in population databases (rs771741606, gnomAD 0.0009%). This missense change has been observed in individuals with autosomal recessive centronuclear myopathy (PMID: 28269792, 28818389, 32403337). ClinVar contains an entry for this variant (Variation ID: 478187). Invitae Evidence Modeling of protein sequence and biophysical properties (such as structural, functional, and spatial information, amino acid conservation, physicochemical variation, residue mobility, and thermodynamic stability) indicates that this missense variant is expected to disrupt RYR1 protein function with a positive predictive value of 80%. This variant disrupts the p.Arg4558 amino acid residue in RYR1. Other variant(s) that disrupt this residue have been determined to be pathogenic (PMID: 17226826, 18253926, 25747005). This suggests that this residue is clinically significant, and that variants that disrupt this residue are likely to be disease-causing. For these reasons, this variant has been classified as Pathogenic.

Blueprint Genetics
Classification: Uncertain significance. Last evaluated: 2024-11-04. Review status: criteria provided, single submitter. Criteria: ACMG Guidelines, 2015. Collection method: clinical testing. Allele origin: germline. Not counted in ClinVar's aggregate classification.

All of Us Research Program, National Institutes of Health
Classification: Uncertain significance for Malignant hyperthermia, susceptibility to, 1. Last evaluated: 2024-09-23. Review status: criteria provided, single submitter. Criteria: ACMG Guidelines, 2015. Collection method: clinical testing. Allele origin: germline. Inheritance: Autosomal dominant inheritance. Observed: 4 variant alleles, 4 heterozygotes. Not counted in ClinVar's aggregate classification.
Comment: This missense variant replaces arginine with tryptophan at codon 4558 of the RYR1 protein. Computational prediction suggests that this variant may have deleterious impact on protein structure and function (internally defined REVEL score threshold >= 0.7, PMID: 27666373). To our knowledge, functional studies have not been reported for this variant. This variant has been reported in a family affected with malignant hyperthermia susceptibility (PMID: 30236257), this variant is also associated with different phenotypes (ClinVar Variation ID: 478187). This variant has been identified in 1/251486 chromosomes in the general population by the Genome Aggregation Database (gnomAD). Due to insufficient evidence, this variant is classified as a Variant of Uncertain Significance for autosomal dominant malignant hyperthermia.

This study involves interpretation of variants in research participants for the purpose of population health screening. Participant phenotype was not available at the time of variant classification. Additional details can be found in publication PMID: 35346344, PMCID: PMC8962531

Laboratory for Molecular Medicine, Mass General Brigham Personalized Medicine
Classification: Likely pathogenic for Central core myopathy. Last evaluated: 2023-02-02. Review status: criteria provided, single submitter. Criteria: ACMG Guidelines, 2015. Collection method: clinical testing. Allele origin: germline. Not counted in ClinVar's aggregate classification.
Comment: The p.Arg4558Trp variant in RYR1 has been reported in 4 individuals with RYR1 related myopathies in the compound heterozygous state with a second RYR1 variant (2 confirmed pathogenic or likely pathogenic) (Neto 2017 PMID: 28818389, Gonzalez-Quereda 2020 PMID 32403337, Cotta 2022 PMID: 35627144). It was also identified in 0.001% (1/68028) of European chromosomes by gnomAD, v.3, and is reported in ClinVar (Variation ID 478187). Computational prediction tools and conservation analyses suggest that this variant may impact the protein, though this information is not predictive enough to determine pathogenicity. Additional variants involving this codon (p.Arg4558Gln, p.Arg4558Gly) have been identified in individuals with RYR1-related myopathies and are classified as likely pathogenic/pathogenic in ClinVar. In summary, although additional studies are required to fully establish its clinical significance, this variant meets criteria to be classified as likely pathogenic for autosomal recessive RYR1-related myopathies. ACMG/AMP criteria applied: PM3_Strong, PM5, PM2_Supporting, PP3.

PreventionGenetics, part of Exact Sciences
Classification: Likely pathogenic for RYR1-related condition. Last evaluated: 2023-01-09. Review status: criteria provided, single submitter. Criteria: ACMG Guidelines, 2015. Collection method: clinical testing. Allele origin: germline. Not counted in ClinVar's aggregate classification.
Comment: The RYR1 c.13672C>T variant is predicted to result in the amino acid substitution p.Arg4558Trp. This variant has been reported, along with another RYR1 variant, in individuals with centronuclear myopathy or other RYR1-related myopathies (Family E, Abath Neto et al. 2017. PubMed ID: 28818389; P5 and P6, Samoes et al. 2017. PubMed ID: 28269792; Supplementary Data, Patient ID: P47, Gonzalez-Quereda et al. 2020. PubMed ID: 32403337). Another variant impacting the same amino acid, p.Arg4558Gln, was reported in the compound heterozygous state in individuals with central core disease (Kossugue et al. 2007. PubMed ID: 17226826; Monnier et al. 2008. PubMed ID: 18253926). This variant is reported in 0.00088% of alleles in individuals of European (Non-Finnish) descent in gnomAD and has conflicting interpretations regarding its pathogenicity ranging from uncertain significance to likely pathogenic in ClinVar. Of note, the ClinGen Malignant Hyperthermia Susceptibility Variant Curation Expert Panel determined this variant was of uncertain significance in regard to autosomal dominate malignant hyperthermia. Taken together, we interpret this variant as likely pathogenic for autosomal recessive disease and uncertain for autosomal dominant malignant hyperthermia.

NeuroMeGen, Hospital Clinico Santiago de Compostela
Classification: Likely pathogenic for Central core myopathy. Last evaluated: 2018-10-08. Review status: criteria provided, single submitter. Criteria: ACMG Guidelines, 2015. Collection method: clinical testing. Allele origin: unknown. Affected: yes. Observed: 1 heterozygote. Not counted in ClinVar's aggregate classification.

Clinical Genetics Service, Universitary Hospital 12 de Octubre
Classification: Pathogenic for Congenital multicore myopathy with external ophthalmoplegia. Review status: criteria provided, single submitter. Criteria: ACMG Guidelines, 2015. Collection method: clinical testing. Allele origin: germline. Affected: yes. Not counted in ClinVar's aggregate classification.

Literature cited by the submitters: PubMed 30236257 (cited by Color Diagnostics, LLC DBA Color Health and All of Us Research Program, National Institutes of Health); PubMed 28269792 (cited by Labcorp Genetics (formerly Invitae), Labcorp); PubMed 28818389 (cited by Labcorp Genetics (formerly Invitae), Labcorp); PubMed 32403337 (cited by Labcorp Genetics (formerly Invitae), Labcorp); PubMed 17226826 (cited by Labcorp Genetics (formerly Invitae), Labcorp); PubMed 18253926 (cited by Labcorp Genetics (formerly Invitae), Labcorp); PubMed 25747005 (cited by Labcorp Genetics (formerly Invitae), Labcorp).